The following is an entry in ClinVar:

NM_001369268.1(ACAN):c.106C>T (p.Pro36Ser)

Gene: ACAN (aggrecan; plus strand). Cytogenetic location: 15q26.1.
Variant type: single nucleotide variant.
Coding change: c.106C>T on transcript NM_001369268.1 (MANE Select); coding-DNA position 106, C replaced by T.
Protein change: p.Pro36Ser; replaces proline 36 with serine.
Molecular consequence: missense variant.
Genome position (GRCh38, 1-based): chr15:88,838,698, C>T. VCF-style: chr15-88838698-C-T. GRCh37 (hg19) VCF-style: chr15-89381929-C-T.
Other names: c.106C>T, p.Pro36Ser (NM_001135.4, NM_001411096.1, NM_001411097.1 and 1 more transcripts); short protein forms P36S.
Identifiers: ClinVar variation 2776707 (VCV002776707.3), dbSNP rs770179538, ClinGen allele CA7719144.
Genomic context (GRCh38, chr15:88,838,698, plus strand): 5'-CTTCTACCCCACCTCTCCCACACAGACCATGACAACTCGCTGAGTGTCAGCATCCCCCAA[C>T]CGTCCCCGCTGAGGGTCCTCCTGGGGACCTCCCTCACCATCCCCTGCTATTTCATCGACC-3'
Protein context (NP_001356197.1, residues 26-46): DNSLSVSIPQ[Pro36Ser]SPLRVLLGTS

ClinVar aggregate classification (germline): Uncertain significance (1 of 4 stars; one submission).

Allele frequency attached by ClinVar (database versions not stated): gnomAD exomes below 0.00001; TOPMed below 0.00001; ExAC 0.00001; gnomAD 0.00001.
gnomAD v4.1: 7 of 1,600,910 alleles (0.00044%); highest among the groups gnomAD compares: East Asian, 0.0022%; no homozygotes.

Submission:

Labcorp Genetics (formerly Invitae), Labcorp
Classification: Uncertain significance. Last evaluated: 2025-11-24. Review status: criteria provided, single submitter. Criteria: Invitae Variant Classification Sherloc (09022015). Collection method: clinical testing. Allele origin: germline.
Comment: This sequence change replaces proline, which is neutral and non-polar, with serine, which is neutral and polar, at codon 36 of the ACAN protein (p.Pro36Ser). This variant is present in population databases (rs770179538, gnomAD 0.0009%). This variant has not been reported in the literature in individuals affected with ACAN-related conditions. ClinVar contains an entry for this variant (Variation ID: 2776707). Invitae Evidence Modeling of protein sequence and biophysical properties (such as structural, functional, and spatial information, amino acid conservation, physicochemical variation, residue mobility, and thermodynamic stability) indicates that this missense variant is not expected to disrupt ACAN protein function with a negative predictive value of 80%. In summary, the available evidence is currently insufficient to determine the role of this variant in disease. Therefore, it has been classified as a Variant of Uncertain Significance.